The following is an entry in ClinVar:

ClinVar aggregate classification (germline): Pathogenic/Likely pathogenic. Review status: criteria provided, multiple submitters, no conflicts (2 of 4 stars). 3 submissions from 3 submitters: Pathogenic (2); Likely pathogenic (1). Last evaluated 2023-07-24.

Conditions:
Spastic paraplegia. Identifiers: MedGen C0037772, HP:0001258.
Hereditary spastic paraplegia. Also called: Familial spastic paraparesis. Identifiers: Orphanet 685, MedGen C0037773, MONDO:0019064. Disease mechanism: loss of function.
Hereditary spastic paraplegia 15 (SPG15). Also called: SPASTIC PARAPLEGIA AND RETINAL DEGENERATION; SPASTIC PARAPLEGIA 15, AUTOSOMAL RECESSIVE; KJELLIN SYNDROME. Identifiers: Orphanet 100996, MedGen C1849128, MONDO:0010044, OMIM 270700.

Submissions (3):

Labcorp Genetics (formerly Invitae), Labcorp
Classification: Pathogenic for Spastic paraplegia. Last evaluated: 2023-07-24. Review status: criteria provided, single submitter. Criteria: Invitae Variant Classification Sherloc (09022015). Collection method: clinical testing. Allele origin: germline.
Comment: For these reasons, this variant has been classified as Pathogenic. ClinVar contains an entry for this variant (Variation ID: 989053). This variant has not been reported in the literature in individuals affected with ZFYVE26-related conditions. This variant is present in population databases (rs773333879, gnomAD 0.01%). This sequence change creates a premature translational stop signal (p.Ala1215Profs*22) in the ZFYVE26 gene. It is expected to result in an absent or disrupted protein product. Loss-of-function variants in ZFYVE26 are known to be pathogenic (PMID: 18394578, 19805727).

Genome Diagnostics Laboratory, The Hospital for Sick Children
Classification: Likely pathogenic for Hereditary spastic paraplegia. Last evaluated: 2018-08-24. Review status: criteria provided, single submitter. Criteria: ACMG Guidelines, 2015. Collection method: clinical testing. Allele origin: germline. Affected: yes.

Paris Brain Institute, Inserm - ICM
Classification: Pathogenic for Hereditary spastic paraplegia 15. Review status: criteria provided, single submitter. Criteria: ACMG Guidelines, 2015. Collection method: clinical testing. Allele origin: unknown. Affected: yes. Observed: 1 variant allele.

Literature cited by the submitters: PubMed 18394578 (cited by Labcorp Genetics (formerly Invitae), Labcorp); PubMed 19805727 (cited by Labcorp Genetics (formerly Invitae), Labcorp).

NM_015346.4(ZFYVE26):c.3642_3643insCCACACTTAG (p.Ala1215fs)

Gene: ZFYVE26 (zinc finger FYVE-type containing 26; minus strand). Cytogenetic location: 14q24.1.
Variant type: Insertion.
Coding change: c.3642_3643insCCACACTTAG on transcript NM_015346.4 (MANE Select); coding-DNA positions 3642 to 3643, CCACACTTAG inserted.
Protein change: p.Ala1215fs; shifts the reading frame from alanine 1215.
Molecular consequence: frameshift variant.
Genome position: GRCh38 VCF-style: chr14-67783509-C-CCTAAGTGTGG. GRCh37 (hg19) VCF-style: chr14-68250226-C-CCTAAGTGTGG.
Other names: c.3642_3643insCCACACTTAG (NM_015346.3); short protein forms A1215fs.
Identifiers: ClinVar variation 989053 (VCV000989053.11), dbSNP rs773333879, ClinGen allele CA7239934.